The following is an entry in ClinVar:

NM_030665.4(RAI1):c.4162G>A (p.Gly1388Arg)

Gene: RAI1 (retinoic acid induced 1; plus strand). Cytogenetic location: 17p11.2.
Variant type: single nucleotide variant.
Coding change: c.4162G>A on transcript NM_030665.4 (MANE Select); coding-DNA position 4162, G replaced by A.
Protein change: p.Gly1388Arg; replaces glycine 1388 with arginine.
Molecular consequence: missense variant.
Genome position (GRCh38, 1-based): chr17:17,797,110, G>A. VCF-style: chr17-17797110-G-A. GRCh37 (hg19) VCF-style: chr17-17700424-G-A.
Other names: short protein forms G1388R.
Identifiers: ClinVar variation 4984956 (VCV004984956.1).

ClinVar aggregate classification (germline): Uncertain significance (1 of 4 stars; one submission).

Conditions:
RAI1-related disorder. Also called: RAI1-related condition.

gnomAD v4.1: 17 of 1,613,906 alleles (0.0011%); highest among the groups gnomAD compares: Non-Finnish European, 0.0014%; no homozygotes.

Submission:

PreventionGenetics, part of Exact Sciences
Classification: Uncertain significance for RAI1-related condition. Last evaluated: 2026-04-20. Review status: criteria provided, single submitter. Criteria: ACMG Guidelines, 2015. Collection method: clinical testing. Allele origin: germline.
Comment: The RAI1 c.4162G>A variant is predicted to result in the amino acid substitution p.Gly1388Arg. To our knowledge, this variant has not been reported in the literature. This variant is reported in 0.0026% of alleles in individuals of European (Non-Finnish) descent in gnomAD. At this time, the clinical significance of this variant is uncertain due to the absence of conclusive functional and genetic evidence.